The following is an entry in ClinVar:

ClinVar aggregate classification (germline): Benign. Review status: criteria provided, multiple submitters, no conflicts (2 of 4 stars). 3 submissions from 3 submitters: Benign (2). 1 of the submissions does not count toward it. Last evaluated 2018-10-25.

Conditions:
ATP10A-related disorder. Also called: ATP10A-related condition.

Allele frequency attached by ClinVar (database versions not stated): 1000 Genomes Project 0.07169; 1000 Genomes Project 30x 0.07355; gnomAD exomes 0.08111; ExAC 0.08365; TOPMed 0.08726; gnomAD 0.08984 and 0.09121; ESP Exome Variant Server 0.09426.

Submissions (3):

GeneDx
Classification: Benign. Last evaluated: 2018-10-25. Review status: criteria provided, single submitter. Criteria: GeneDx Variant Classification Process June 2021. Collection method: clinical testing. Allele origin: germline. Affected: yes.

Breakthrough Genomics
Classification: Benign. Review status: criteria provided, single submitter. Criteria: ACMG Guidelines, 2015. Collection method: not provided. Allele origin: germline. Inheritance: Unknown mechanism. Affected: yes.

PreventionGenetics, part of Exact Sciences
Classification: Benign for ATP10A-related condition. Last evaluated: 2020-01-20. Review status: no assertion criteria provided. Collection method: clinical testing. Allele origin: germline. Not counted in ClinVar's aggregate classification.
Comment: This variant is classified as benign based on ACMG/AMP sequence variant interpretation guidelines (Richards et al. 2015 PMID: 25741868, with internal and published modifications).

NM_024490.4(ATP10A):c.2350G>A (p.Ala784Thr)

Gene: ATP10A (ATPase phospholipid transporting 10A (putative); minus strand). Cytogenetic location: 15q12.
Variant type: single nucleotide variant.
Coding change: c.2350G>A on transcript NM_024490.4 (MANE Select); coding-DNA position 2350, G replaced by A.
Protein change: p.Ala784Thr; replaces alanine 784 with threonine.
Molecular consequence: missense variant.
Genome position (GRCh38, 1-based): chr15:25,708,295, C>T on the plus strand (G>A on the coding strand, the complement: ATP10A is on the minus strand). VCF-style: chr15-25708295-C-T. GRCh37 (hg19) VCF-style: chr15-25953442-C-T.
Other names: short protein forms A784T.
Identifiers: ClinVar variation 1294263 (VCV001294263.5), dbSNP rs2066704, ClinGen allele CA7436522.